The following is an entry in ClinVar:

NM_000059.4(BRCA2):c.2184T>A (p.Asp728Glu)

Gene: BRCA2 (BRCA2 DNA repair associated; plus strand). Cytogenetic location: 13q13.1.
Variant type: single nucleotide variant.
Coding change: c.2184T>A on transcript NM_000059.4 (MANE Select); coding-DNA position 2184, T replaced by A.
Protein change: p.Asp728Glu; replaces aspartic acid 728 with glutamic acid.
Molecular consequence: missense variant. On other transcripts: non-coding transcript variant (1), intron variant (2).
Genome position (GRCh38, 1-based): chr13:32,336,539, T>A. VCF-style: chr13-32336539-T-A. GRCh37 (hg19) VCF-style: chr13-32910676-T-A.
Other names: c.2184T>A, p.Asp728Glu (NM_001406719.1, NM_001406720.1, NM_001432077.1); c.1909+3152T>A (NM_001406721.1); c.424+5509T>A (NM_001406722.1); short protein forms D728E.
Identifiers: ClinVar variation 4802285 (VCV004802285.1).

ClinVar aggregate classification (germline): Uncertain significance (1 of 4 stars; one submission).

Conditions:
Hereditary breast ovarian cancer syndrome. Also called: Hereditary breast and ovarian cancer syndrome (HBOC); Hereditary breast and ovarian cancer; Breast and ovarian cancer; Hereditary breast and/or ovarian cancer syndrome; BRCA1- and BRCA2-Associated Hereditary Breast and Ovarian Cancer; Hereditary breast and ovarian cancer syndrome. Identifiers: Orphanet 145, MedGen C0677776, MeSH D061325, MONDO:0003582. Disease mechanism: loss of function.

Submission:

Labcorp Genetics (formerly Invitae), Labcorp
Classification: Uncertain significance for Hereditary breast ovarian cancer syndrome. Last evaluated: 2025-08-17. Review status: criteria provided, single submitter. Criteria: Invitae Variant Classification Sherloc (09022015). Collection method: clinical testing. Allele origin: germline.
Comment: This sequence change replaces aspartic acid, which is acidic and polar, with glutamic acid, which is acidic and polar, at codon 728 of the BRCA2 protein (p.Asp728Glu). This variant is not present in population databases (gnomAD no frequency). This variant has not been reported in the literature in individuals affected with BRCA2-related conditions. Invitae Evidence Modeling of protein sequence and biophysical properties (such as structural, functional, and spatial information, amino acid conservation, physicochemical variation, residue mobility, and thermodynamic stability) indicates that this missense variant is not expected to disrupt BRCA2 protein function with a negative predictive value of 95%. In summary, the available evidence is currently insufficient to determine the role of this variant in disease. Therefore, it has been classified as a Variant of Uncertain Significance.